The following is an entry in ClinVar:

ClinVar aggregate classification (germline): Uncertain significance. Review status: criteria provided, multiple submitters, no conflicts (2 of 4 stars). 2 submissions from 2 submitters: Uncertain significance (2). Last evaluated 2025-09-14.

Allele frequency attached by ClinVar (database versions not stated): gnomAD 0.00001; gnomAD exomes 0.00002; TOPMed 0.00003; ExAC 0.00004; ESP Exome Variant Server 0.00015.
gnomAD v4.1: 38 of 1,614,022 alleles (0.0024%); highest among the groups gnomAD compares: East Asian, 0.013%; no homozygotes.

Submissions (2):

Labcorp Genetics (formerly Invitae), Labcorp
Classification: Uncertain significance. Last evaluated: 2025-09-14. Review status: criteria provided, single submitter. Criteria: Invitae Variant Classification Sherloc (09022015). Collection method: clinical testing. Allele origin: germline.
Comment: This sequence change replaces glutamic acid, which is acidic and polar, with lysine, which is basic and polar, at codon 1383 of the IGSF10 protein (p.Glu1383Lys). This variant is present in population databases (rs372469513, gnomAD 0.03%). This variant has not been reported in the literature in individuals affected with IGSF10-related conditions. ClinVar contains an entry for this variant (Variation ID: 2386172). An algorithm developed to predict the effect of missense changes on protein structure and function outputs the following: PolyPhen-2: "Benign". The lysine amino acid residue is found in multiple mammalian species, which suggests that this missense change does not adversely affect protein function. In summary, the available evidence is currently insufficient to determine the role of this variant in disease. Therefore, it has been classified as a Variant of Uncertain Significance.

Ambry Genetics
Classification: Uncertain significance. Last evaluated: 2021-10-27. Review status: criteria provided, single submitter. Criteria: Ambry Variant Classification Scheme 2023. Collection method: clinical testing. Allele origin: germline.

NM_178822.5(IGSF10):c.4147G>A (p.Glu1383Lys)

Gene: IGSF10 (immunoglobulin superfamily member 10; minus strand). Cytogenetic location: 3q25.1.
Variant type: single nucleotide variant.
Coding change: c.4147G>A on transcript NM_178822.5 (MANE Select); coding-DNA position 4147, G replaced by A.
Protein change: p.Glu1383Lys; replaces glutamic acid 1383 with lysine.
Molecular consequence: missense variant.
Genome position (GRCh38, 1-based): chr3:151,445,834, C>T on the plus strand (G>A on the coding strand, the complement: IGSF10 is on the minus strand). VCF-style: chr3-151445834-C-T. GRCh37 (hg19) VCF-style: chr3-151163622-C-T.
Other names: c.4147G>A, p.Glu1383Lys (NM_001385060.1, NM_001385061.1, NM_001385062.1 and 1 more transcripts); short protein forms E1383K.
Identifiers: ClinVar variation 2386172 (VCV002386172.3), dbSNP rs372469513, ClinGen allele CA2670019.
Genomic context (GRCh38, chr3:151,445,834, plus strand): 5'-CAGTTGTGTTTTCTGGTGGGGAATGAGTGAATGCAGAGACACTGGGCTTGACTGAAGTTT[C>T]GGCTGTGGTTAGAACAGGAGGTGTCATAGCAGTGGGTGTAGTGAAGCCAGAACTCTGGTC-3'
Protein context (NP_849144.2, residues 1373-1393): AMTPPVLTTA[Glu1383Lys]TSVKPSVSAF